The following is an entry in ClinVar:

NM_001384140.1(PCDH15):c.3308A>G (p.Tyr1103Cys)

Gene: PCDH15 (protocadherin related 15; minus strand). Cytogenetic location: 10q21.1.
Variant type: single nucleotide variant.
Coding change: c.3308A>G on transcript NM_001384140.1 (MANE Select); coding-DNA position 3308, A replaced by G.
Protein change: p.Tyr1103Cys; replaces tyrosine 1103 with cysteine.
Molecular consequence: missense variant.
Genome position (GRCh38, 1-based): chr10:53,938,880, T>C on the plus strand (A>G on the coding strand, the complement: PCDH15 is on the minus strand). VCF-style: chr10-53938880-T-C. GRCh37 (hg19) VCF-style: chr10-55698640-T-C.
Other names: c.3323A>G, p.Tyr1108Cys (NM_001142763.2, NM_001142771.2); c.3308A>G, p.Tyr1103Cys (NM_001142764.2, NM_001142766.2, NM_001142770.3 and 4 more transcripts); c.3095A>G, p.Tyr1032Cys (NM_001142765.2); c.3197A>G, p.Tyr1066Cys (NM_001142767.2); c.3242A>G, p.Tyr1081Cys (NM_001142768.2, NM_001142773.2, NM_001354404.2); c.3344A>G, p.Tyr1115Cys (NM_001142769.4); c.3329A>G, p.Tyr1110Cys (NM_001354411.2); short protein forms Y1110C, Y1108C, Y1115C, Y1032C, Y1066C, Y1081C, Y1103C.
Identifiers: ClinVar variation 2156536 (VCV002156536.4), dbSNP rs1429273836, ClinGen allele CA376516158.

ClinVar aggregate classification (germline): Uncertain significance. Review status: criteria provided, multiple submitters, no conflicts (2 of 4 stars). 4 submissions from 4 submitters: Uncertain significance (4). Last evaluated 2026-09-15.

Conditions:
PCDH15-related disorder. Also called: PCDH15-related condition; PCDH15-related disorders.
Inborn genetic diseases. Identifiers: MedGen C0950123, MeSH D030342.

Allele frequency attached by ClinVar (database versions not stated): gnomAD exomes below 0.00001; gnomAD 0.00002; TOPMed 0.00004.
gnomAD v4.1: 8 of 1,613,434 alleles (0.0005%); highest among the groups gnomAD compares: African/African-American, 0.0093%; no homozygotes.

Submissions (4):

PreventionGenetics, part of Exact Sciences
Classification: Uncertain significance for PCDH15-related condition. Last evaluated: 2026-09-15. Review status: criteria provided, single submitter. Criteria: ACMG Guidelines, 2015. Collection method: clinical testing. Allele origin: germline.
Comment: The PCDH15 c.3308A>G variant is predicted to result in the amino acid substitution p.Tyr1103Cys. To our knowledge, this variant has not been reported in the literature. This variant is reported in 0.0065% of alleles in individuals of South Asian descent in gnomAD. At this time, the clinical significance of this variant is uncertain due to the absence of conclusive functional and genetic evidence.

Ambry Genetics
Classification: Uncertain significance for Inborn genetic diseases. Last evaluated: 2026-01-20. Review status: criteria provided, single submitter. Criteria: Ambry Variant Classification Scheme 2023. Collection method: clinical testing. Allele origin: germline.

Labcorp Genetics (formerly Invitae), Labcorp
Classification: Uncertain significance. Last evaluated: 2022-05-21. Review status: criteria provided, single submitter. Criteria: Invitae Variant Classification Sherloc (09022015). Collection method: clinical testing. Allele origin: germline.
Comment: This sequence change replaces tyrosine, which is neutral and polar, with cysteine, which is neutral and slightly polar, at codon 1103 of the PCDH15 protein (p.Tyr1103Cys). This variant is present in population databases (no rsID available, gnomAD 0.007%). This variant has not been reported in the literature in individuals affected with PCDH15-related conditions. Algorithms developed to predict the effect of missense changes on protein structure and function are either unavailable or do not agree on the potential impact of this missense change (SIFT: "Deleterious"; PolyPhen-2: "Probably Damaging"; Align-GVGD: "Class C0"). In summary, the available evidence is currently insufficient to determine the role of this variant in disease. Therefore, it has been classified as a Variant of Uncertain Significance.

Blueprint Genetics
Classification: Uncertain significance. Last evaluated: 2021-01-28. Review status: criteria provided, single submitter. Criteria: ACMG Guidelines, 2015. Collection method: clinical testing. Allele origin: germline.